The following is an entry in ClinVar:

ClinVar aggregate classification (germline): Conflicting classifications of pathogenicity. Review status: criteria provided, conflicting classifications (1 of 4 stars). 2 submissions from 2 submitters: Uncertain significance (1); Likely benign (1). Last evaluated 2025-04-23.

gnomAD v4.1: 24 of 1,610,354 alleles (0.0015%); highest among the groups gnomAD compares: Non-Finnish European, 0.002%; no homozygotes.

Submissions (2):

Women's Health and Genetics/Laboratory Corporation of America, LabCorp
Classification: Likely benign. Last evaluated: 2025-04-23. Review status: criteria provided, single submitter. Criteria: LabCorp Variant Classification Summary - May 2015. Collection method: clinical testing. Allele origin: germline.

Labcorp Genetics (formerly Invitae), Labcorp
Classification: Uncertain significance. Last evaluated: 2022-08-22. Review status: criteria provided, single submitter. Criteria: Invitae Variant Classification Sherloc (09022015). Collection method: clinical testing. Allele origin: germline.
Comment: This sequence change falls in intron 3 of the SBF1 gene. It does not directly change the encoded amino acid sequence of the SBF1 protein. The frequency data for this variant in the population databases is considered unreliable, as metrics indicate poor data quality at this position in the gnomAD database. This variant has not been reported in the literature in individuals affected with SBF1-related conditions. ClinVar contains an entry for this variant (Variation ID: 1386159). Algorithms developed to predict the effect of sequence changes on RNA splicing suggest that this variant may disrupt the consensus splice site. In summary, the available evidence is currently insufficient to determine the role of this variant in disease. Therefore, it has been classified as a Variant of Uncertain Significance.

NM_002972.4(SBF1):c.280-9C>A

Gene: SBF1 (SET binding factor 1; minus strand). Cytogenetic location: 22q13.33.
Variant type: single nucleotide variant.
Coding change: c.280-9C>A on transcript NM_002972.4 (MANE Select); 9 bases into the intron before coding-DNA position 280, C replaced by A.
Molecular consequence: intron variant.
Genome position (GRCh38, 1-based): chr22:50,467,699, G>T on the plus strand (C>A on the coding strand, the complement: SBF1 is on the minus strand). VCF-style: chr22-50467699-G-T. GRCh37 (hg19) VCF-style: chr22-50906128-G-T.
Other names: c.280-6C>A (NM_001365819.1).
Identifiers: ClinVar variation 1386159 (VCV001386159.5), dbSNP rs762959504, ClinGen allele CA10318145.
Genomic context (GRCh38, chr22:50,467,699, plus strand): 5'-CCTCATCCCCCTCTTCCTCCCTCTCTGTGGCATCCTCCACGCGCGTCGTTTCCTGCTGGG[G>T]GTCAGGGGGAGACGGGGGCAGGGGGAGTTGGCCACGGCCCAAGGATGCAGCTTCATTCAT-3'